The following is an entry in ClinVar:

ClinVar aggregate classification (germline): Uncertain significance (1 of 4 stars; one submission).

Submission:

Labcorp Genetics (formerly Invitae), Labcorp
Classification: Uncertain significance. Last evaluated: 2023-07-10. Review status: criteria provided, single submitter. Criteria: Invitae Variant Classification Sherloc (09022015). Collection method: clinical testing. Allele origin: germline.
Comment: This sequence change replaces cysteine, which is neutral and slightly polar, with arginine, which is basic and polar, at codon 549 of the IRF2BP2 protein (p.Cys549Arg). This variant is not present in population databases (gnomAD no frequency). This variant has not been reported in the literature in individuals affected with IRF2BP2-related conditions. An algorithm developed to predict the effect of missense changes on protein structure and function (PolyPhen-2) suggests that this variant is likely to be disruptive. In summary, the available evidence is currently insufficient to determine the role of this variant in disease. Therefore, it has been classified as a Variant of Uncertain Significance.

NM_182972.3(IRF2BP2):c.1645T>C (p.Cys549Arg)

Gene: IRF2BP2 (interferon regulatory factor 2 binding protein 2; minus strand). Cytogenetic location: 1q42.3.
Variant type: single nucleotide variant.
Coding change: c.1645T>C on transcript NM_182972.3 (MANE Select); coding-DNA position 1645, T replaced by C.
Protein change: p.Cys549Arg; replaces cysteine 549 with arginine.
Molecular consequence: missense variant.
Genome position (GRCh38, 1-based): chr1:234,607,256, A>G on the plus strand (T>C on the coding strand, the complement: IRF2BP2 is on the minus strand). VCF-style: chr1-234607256-A-G. GRCh37 (hg19) VCF-style: chr1-234743002-A-G.
Other names: c.1597T>C, p.Cys533Arg (NM_001077397.1); short protein forms C549R, C533R.
Identifiers: ClinVar variation 2741321 (VCV002741321.3), dbSNP rs2528513116, ClinGen allele CA345305043.
Genomic context (GRCh38, chr1:234,607,256, plus strand): 5'-CTTGCATAAAGGCCCAGGGGACATTGGAGCCCACAAGAGGGCATTTTTCCCCACTGGGAC[A>G]ATAGACCTCTCCACTAGCTCCCTGCTGTTTGATGCTTTGTCTGGAGCAAGGGAAGCAGAA-3'
Protein context (NP_892017.2, residues 539-559): KQQGASGEVY[Cys549Arg]PSGEKCPLVG